The following is an entry in ClinVar:

ClinVar aggregate classification (germline): Likely pathogenic (1 of 4 stars; one submission).

Submission:

Labcorp Genetics (formerly Invitae), Labcorp
Classification: Likely pathogenic. Last evaluated: 2023-06-09. Review status: criteria provided, single submitter. Criteria: Invitae Variant Classification Sherloc (09022015). Collection method: clinical testing. Allele origin: unknown.
Comment: In summary, the currently available evidence indicates that the variant is pathogenic, but additional data are needed to prove that conclusively. Therefore, this variant has been classified as Likely Pathogenic. This variant has not been reported in the literature in individuals affected with FRAS1-related conditions. This variant results in a copy number gain of the genomic region encompassing exon(s) 64-70 of the FRAS1 gene. While the exact position of this variant cannot be determined from the data, sub-genic copy number gains are generally in tandem (PMID: 25640679). This variant is predicted to be out-of-frame, and may result in an absent or disrupted protein product. Loss-of-function variants in FRAS1 are known to be pathogenic (PMID: 12766769, 18671281).

Literature cited by the submitters: PubMed 25640679; PubMed 12766769; PubMed 18671281.

NC_000004.11:g.(?_79432408)_(79447831_?)dup

Gene: FRAS1 (Fraser extracellular matrix complex subunit 1; plus strand). Cytogenetic location: 4q21.21.
Variant type: Duplication.
Identifiers: ClinVar variation 3246768 (VCV003246768.1).